The following is an entry in ClinVar:

ClinVar aggregate classification (germline): Likely pathogenic (1 of 4 stars; one submission).

Conditions:
Glycogen storage disease IXa1. Also called: LIVER GLYCOGENOSIS, X-LINKED, TYPE I; GLYCOGEN STORAGE DISEASE VIII; GSD VIII; Glycogen storage disease 8. Identifiers: Orphanet 264580, MedGen C3694531, MONDO:0010598, OMIM 306000.

Submission:

Neuberg Centre For Genomic Medicine, NCGM
Classification: Likely pathogenic for Glycogen storage disease IXa1. Last evaluated: 2023-05-20. Review status: criteria provided, single submitter. Criteria: ACMG Guidelines, 2015. Collection method: clinical testing. Allele origin: germline. Inheritance: X-linked recessive inheritance. Affected: yes.
Comment: The observed splice acceptor c.79-2A>T variant in PHKA2 gene has not been reported previously as a pathogenic variant nor as a benign variant, to our knowledge. This variant is absent in gnomAD Exomes. The variant affects AG acceptor splice site in the 3' end of intron 1. The spliceAI tool predicts that this splice site variant is damaging. This variant is predicted to cause loss of normal protein function through protein truncation. Loss of function variants have been previously reported to be disease causing. The spliceAI tool predicts that this splice site variant is damaging. For these reasons, this variant has been classified as Likely Pathogenic.

NM_000292.3(PHKA2):c.79-2A>T

Gene: PHKA2 (phosphorylase kinase regulatory subunit alpha 2; minus strand). Cytogenetic location: Xp22.13.
Variant type: single nucleotide variant.
Coding change: c.79-2A>T on transcript NM_000292.3 (MANE Select); the canonical splice acceptor site of the intron before coding-DNA position 79, A replaced by T.
Molecular consequence: splice acceptor variant.
Genome position (GRCh38, 1-based): chrX:18,954,414, T>A on the plus strand (A>T on the coding strand, the complement: PHKA2 is on the minus strand). VCF-style: chrX-18954414-T-A. GRCh37 (hg19) VCF-style: chrX-18972532-T-A.
Identifiers: ClinVar variation 3341458 (VCV003341458.1).